The following is an entry in ClinVar:

ClinVar aggregate classification (germline): Uncertain significance. Review status: criteria provided, multiple submitters, no conflicts (2 of 4 stars). 2 submissions from 2 submitters: Uncertain significance (2). Last evaluated 2024-01-19.

Conditions:
Combined oxidative phosphorylation defect type 17. Also called: Combined oxidative phosphorylation deficiency 17. Identifiers: Orphanet 369913, MedGen C3809526, MONDO:0014190, OMIM 615440.
Inborn genetic diseases. Identifiers: MedGen C0950123, MeSH D030342.

Allele frequency attached by ClinVar (database versions not stated): gnomAD exomes below 0.00001; ExAC 0.00002; gnomAD 0.00002; TOPMed 0.00003.
gnomAD v4.1: 10 of 1,614,042 alleles (0.00062%); highest among the groups gnomAD compares: Admixed American, 0.0017%; no homozygotes.

Submissions (2):

Ambry Genetics
Classification: Uncertain significance for Inborn genetic diseases. Last evaluated: 2024-01-19. Review status: criteria provided, single submitter. Criteria: Ambry Variant Classification Scheme 2023. Collection method: clinical testing. Allele origin: germline.

Labcorp Genetics (formerly Invitae), Labcorp
Classification: Uncertain significance for Combined oxidative phosphorylation defect type 17. Last evaluated: 2023-10-18. Review status: criteria provided, single submitter. Criteria: Invitae Variant Classification Sherloc (09022015). Collection method: clinical testing. Allele origin: germline.
Comment: This sequence change replaces histidine, which is basic and polar, with arginine, which is basic and polar, at codon 186 of the ELAC2 protein (p.His186Arg). This variant is present in population databases (rs766520614, gnomAD 0.002%). This variant has not been reported in the literature in individuals affected with ELAC2-related conditions. An algorithm developed to predict the effect of missense changes on protein structure and function (PolyPhen-2) suggests that this variant¬†is likely to be tolerated. In summary, the available evidence is currently insufficient to determine the role of this variant in disease. Therefore, it has been classified as a Variant of Uncertain Significance.

NM_018127.7(ELAC2):c.557A>G (p.His186Arg)

Gene: ELAC2 (elaC ribonuclease Z 2; minus strand). Cytogenetic location: 17p12.
Variant type: single nucleotide variant.
Coding change: c.557A>G on transcript NM_018127.7 (MANE Select); coding-DNA position 557, A replaced by G.
Protein change: p.His186Arg; replaces histidine 186 with arginine.
Molecular consequence: missense variant.
Genome position (GRCh38, 1-based): chr17:13,013,209, T>C on the plus strand (A>G on the coding strand, the complement: ELAC2 is on the minus strand). VCF-style: chr17-13013209-T-C. GRCh37 (hg19) VCF-style: chr17-12916526-T-C.
Other names: c.557A>G, p.His186Arg (NM_001165962.2, NM_173717.2); c.557A>G (NM_018127.6); short protein forms H186R.
Identifiers: ClinVar variation 3002453 (VCV003002453.2), dbSNP rs766520614, ClinGen allele CA8401604.